The following is an entry in ClinVar:

NM_001372.4(DNAH9):c.6259A>G (p.Met2087Val)

Gene: DNAH9 (dynein axonemal heavy chain 9; plus strand). Cytogenetic location: 17p12.
Variant type: single nucleotide variant.
Coding change: c.6259A>G on transcript NM_001372.4 (MANE Select); coding-DNA position 6259, A replaced by G.
Protein change: p.Met2087Val; replaces methionine 2087 with valine.
Molecular consequence: missense variant.
Genome position (GRCh38, 1-based): chr17:11,744,944, A>G. VCF-style: chr17-11744944-A-G. GRCh37 (hg19) VCF-style: chr17-11648261-A-G.
Other names: c.6259A>G (NM_001372.3); short protein forms M2087V.
Identifiers: ClinVar variation 1625474 (VCV001625474.11), dbSNP rs9892290, ClinGen allele CA8396255.

ClinVar aggregate classification (germline): Benign. Review status: criteria provided, multiple submitters, no conflicts (2 of 4 stars). 3 submissions from 3 submitters: Benign (2). 1 of the submissions does not count toward it. Last evaluated 2026-01-29.

Conditions:
DNAH9-related disorder. Also called: DNAH9-related condition.
Ciliary dyskinesia, primary, 40. Also called: CILIARY DYSKINESIA, PRIMARY, 40, WITH OR WITHOUT SITUS INVERSUS. Identifiers: MedGen C4749028, MONDO:0032664, OMIM 618300.

Allele frequency attached by ClinVar (database versions not stated): 1000 Genomes Project 30x 0.00640; 1000 Genomes Project 0.00699; gnomAD 0.00718 and 0.00777; TOPMed 0.00826; ESP Exome Variant Server 0.00846.
gnomAD v4.1: 2,320 of 1,614,166 alleles (0.14%); highest among the groups gnomAD compares: African/African-American, 2.4%; 25 homozygotes.

Submissions (3):

Labcorp Genetics (formerly Invitae), Labcorp
Classification: Benign. Last evaluated: 2026-01-29. Review status: criteria provided, single submitter. Criteria: Invitae Variant Classification Sherloc (09022015). Collection method: clinical testing. Allele origin: germline.

Fulgent Genetics
Classification: Benign for Ciliary dyskinesia, primary, 40. Last evaluated: 2021-12-03. Review status: criteria provided, single submitter. Criteria: ACMG Guidelines, 2015. Collection method: clinical testing. Allele origin: unknown.

PreventionGenetics, part of Exact Sciences
Classification: Benign for DNAH9-related condition. Last evaluated: 2019-10-28. Review status: no assertion criteria provided. Collection method: clinical testing. Allele origin: germline. Not counted in ClinVar's aggregate classification.
Comment: This variant is classified as benign based on ACMG/AMP sequence variant interpretation guidelines (Richards et al. 2015 PMID: 25741868, with internal and published modifications).